The following is an entry in ClinVar:

NM_020745.4(AARS2):c.2050G>C (p.Val684Leu)

Gene: AARS2 (alanyl-tRNA synthetase 2, mitochondrial; minus strand). Cytogenetic location: 6p21.1.
Variant type: single nucleotide variant.
Coding change: c.2050G>C on transcript NM_020745.4 (MANE Select); coding-DNA position 2050, G replaced by C.
Protein change: p.Val684Leu; replaces valine 684 with leucine.
Molecular consequence: missense variant.
Genome position (GRCh38, 1-based): chr6:44,303,381, C>G on the plus strand (G>C on the coding strand, the complement: AARS2 is on the minus strand). VCF-style: chr6-44303381-C-G. GRCh37 (hg19) VCF-style: chr6-44271118-C-G.
Other names: short protein forms V684L.
Identifiers: ClinVar variation 3252230 (VCV003252230.1), dbSNP rs979593679.
Genomic context (GRCh38, chr6:44,303,381, plus strand): 5'-TGAGCGCCAGGGGCACCTCCTCCATGTACACAGCCTCATCCTGCCCCACGGCCTCCTGCA[C>G]AGTGTTCTCCACTGCCCGGAGCTGCTCTGGGGTCAATGGGGTCTGGAGGGGTGGGGAGGA-3'
Protein context (NP_065796.2, residues 674-694): PEQLRAVENT[Val684Leu]QEAVGQDEAV

ClinVar aggregate classification (germline): Uncertain significance (1 of 4 stars; one submission).

Allele frequency attached by ClinVar (database versions not stated): gnomAD 0.00001.
gnomAD v4.1: 25 of 1,613,856 alleles (0.0015%); highest among the groups gnomAD compares: Non-Finnish European, 0.0019%; no homozygotes.

Submission:

GeneDx
Classification: Uncertain significance. Last evaluated: 2024-01-25. Review status: criteria provided, single submitter. Criteria: GeneDx Variant Classification Process June 2021. Collection method: clinical testing. Allele origin: germline. Affected: yes.
Comment: Not observed at significant frequency in large population cohorts (gnomAD); In silico analysis supports that this missense variant does not alter protein structure/function; Has not been previously published as pathogenic or benign to our knowledge